The following is an entry in ClinVar:

NM_000057.4(BLM):c.2198C>G (p.Pro733Arg)

Gene: BLM (BLM RecQ like helicase; plus strand). Cytogenetic location: 15q26.1.
Variant type: single nucleotide variant.
Coding change: c.2198C>G on transcript NM_000057.4 (MANE Select); coding-DNA position 2198, C replaced by G.
Protein change: p.Pro733Arg; replaces proline 733 with arginine.
Molecular consequence: missense variant.
Genome position (GRCh38, 1-based): chr15:90,766,914, C>G. VCF-style: chr15-90766914-C-G. GRCh37 (hg19) VCF-style: chr15-91310144-C-G.
Other names: c.2198C>G, p.Pro733Arg (NM_001287246.2, NM_001287247.2); c.1073C>G, p.Pro358Arg (NM_001287248.2); short protein forms P358R, P733R.
Identifiers: ClinVar variation 4211926 (VCV004211926.1).

ClinVar aggregate classification (germline): Uncertain significance (1 of 4 stars; one submission).

Conditions:
Hereditary cancer-predisposing syndrome. Also called: Neoplastic Syndromes, Hereditary; Tumor predisposition; Hereditary Cancer Syndrome; Hereditary neoplastic syndrome. Identifiers: Orphanet 140162, MedGen C0027672, MeSH D009386, MONDO:0015356.

Submission:

Ambry Genetics
Classification: Uncertain significance for Hereditary cancer-predisposing syndrome. Last evaluated: 2025-08-02. Review status: criteria provided, single submitter. Criteria: Ambry Variant Classification Scheme 2023. Collection method: clinical testing. Allele origin: germline.
Comment: The p.P733R variant (also known as c.2198C>G), located in coding exon 9 of the BLM gene, results from a C to G substitution at nucleotide position 2198. The proline at codon 733 is replaced by arginine, an amino acid with dissimilar properties. This amino acid position is conserved. In addition, the in silico prediction for this alteration is inconclusive. Based on the available evidence, the clinical significance of this variant remains unclear.